The following is an entry in ClinVar:

ClinVar aggregate classification (germline): Likely pathogenic (1 of 4 stars; one submission).

Submission:

GeneDx
Classification: Likely pathogenic. Last evaluated: 2021-03-31. Review status: criteria provided, single submitter. Criteria: GeneDx Variant Classification Process June 2021. Collection method: clinical testing. Allele origin: germline. Affected: yes.
Comment: Not observed in large population cohorts (Lek et al., 2016); Frameshift variant predicted to result in protein truncation as the last 85 amino acids are replaced with 46 different amino acids, although loss-of-function variants have not been reported downstream of this position in the protein; Has not been previously published as pathogenic or benign to our knowledge

NM_014491.4(FOXP2):c.1892_1895del (p.Asn631fs)

Gene: FOXP2 (forkhead box P2; plus strand). Cytogenetic location: 7q31.1.
Variant type: Microsatellite.
Coding change: c.1892_1895del on transcript NM_014491.4 (MANE Select); coding-DNA positions 1892 to 1895, 4 bases deleted (ATAA; older notation c.1892_1895delATAA).
Protein change: p.Asn631fs; shifts the reading frame from asparagine 631.
Molecular consequence: frameshift variant. On other transcripts: non-coding transcript variant (2).
Genome position (GRCh38, 1-based): chr7:114,664,325-114,664,328, ATAA deleted; deleting any 4 consecutive bases within chr7:114,664,321-114,664,328 gives the same sequence; the c. name uses the placement nearest the transcript's 3' end. VCF-style (leftmost placement, unchanged base first): chr7-114664320-GATAA-G. GRCh37 (hg19) VCF-style: chr7-114304375-GATAA-G.
Other names: c.1892_1895delATAA (NM_014491.3); c.1889_1892del, p.Asn630fs (NM_001172766.3); c.1967_1970del, p.Asn656fs (NM_148898.4); c.1943_1946del, p.Asn648fs (NM_148900.4); short protein forms N631fs, N656fs, N648fs, N630fs.
Identifiers: ClinVar variation 524002 (VCV000524002.3), dbSNP rs1554441663, ClinGen allele CA658796994.